The following is an entry in ClinVar:

NM_001184.4(ATR):c.1678G>C (p.Glu560Gln)

Gene: ATR (ATR checkpoint kinase; minus strand). Cytogenetic location: 3q23.
Variant type: single nucleotide variant.
Coding change: c.1678G>C on transcript NM_001184.4 (MANE Select); coding-DNA position 1678, G replaced by C.
Protein change: p.Glu560Gln; replaces glutamic acid 560 with glutamine.
Molecular consequence: missense variant.
Genome position (GRCh38, 1-based): chr3:142,559,305, C>G on the plus strand (G>C on the coding strand, the complement: ATR is on the minus strand). VCF-style: chr3-142559305-C-G. GRCh37 (hg19) VCF-style: chr3-142278147-C-G.
Other names: c.1486G>C, p.Glu496Gln (NM_001354579.2); short protein forms E496Q, E560Q.
Identifiers: ClinVar variation 1439855 (VCV001439855.7), dbSNP rs772100771, ClinGen allele CA2650540.

ClinVar aggregate classification (germline): Uncertain significance. Review status: criteria provided, multiple submitters, no conflicts (2 of 4 stars). 4 submissions from 3 submitters: Uncertain significance (4). Last evaluated 2023-09-19.

Conditions:
Familial cutaneous telangiectasia and oropharyngeal predisposition cancer syndrome. Identifiers: Orphanet 313846, MedGen C3281203, MONDO:0013806, OMIM 614564.
Seckel syndrome 1 (SCKL1). Also called: MICROCEPHALIC PRIMORDIAL DWARFISM I. Identifiers: Orphanet 808, MedGen C4551474, MONDO:0008869, OMIM 210600.
Inborn genetic diseases. Identifiers: MedGen C0950123, MeSH D030342.

Allele frequency attached by ClinVar (database versions not stated): gnomAD 0.00001; gnomAD exomes 0.00001 and 0.00002; ExAC 0.00002.
gnomAD v4.1: 15 of 1,613,914 alleles (0.00093%); highest among the groups gnomAD compares: Middle Eastern, 0.016%; no homozygotes.

Submissions (4):

Ambry Genetics
Classification: Uncertain significance for Inborn genetic diseases. Last evaluated: 2023-09-19. Review status: criteria provided, single submitter. Criteria: Ambry Variant Classification Scheme 2023. Collection method: clinical testing. Allele origin: germline.
Comment: The p.E560Q variant (also known as c.1678G>C), located in coding exon 7 of the ATR gene, results from a G to C substitution at nucleotide position 1678. The glutamic acid at codon 560 is replaced by glutamine, an amino acid with highly similar properties. This amino acid position is conserved. In addition, this alteration is predicted to be tolerated by in silico analysis. Since supporting evidence is limited at this time, the clinical significance of this alteration remains unclear.

Genome-Nilou Lab
Classification: Uncertain significance for Seckel syndrome 1. Last evaluated: 2023-02-08. Review status: criteria provided, single submitter. Criteria: ACMG Guidelines, 2015. Collection method: clinical testing. Allele origin: germline.

Genome-Nilou Lab
Classification: Uncertain significance for Familial cutaneous telangiectasia and oropharyngeal predisposition cancer syndrome. Last evaluated: 2023-02-08. Review status: criteria provided, single submitter. Criteria: ACMG Guidelines, 2015. Collection method: clinical testing. Allele origin: germline.

Labcorp Genetics (formerly Invitae), Labcorp
Classification: Uncertain significance. Last evaluated: 2021-08-14. Review status: criteria provided, single submitter. Criteria: Invitae Variant Classification Sherloc (09022015). Collection method: clinical testing. Allele origin: germline.
Comment: This sequence change replaces glutamic acid with glutamine at codon 560 of the ATR protein (p.Glu560Gln). The glutamic acid residue is moderately conserved and there is a small physicochemical difference between glutamic acid and glutamine. This variant is present in population databases (rs772100771, ExAC 0.003%). This variant has not been reported in the literature in individuals affected with ATR-related conditions. Algorithms developed to predict the effect of missense changes on protein structure and function (SIFT, PolyPhen-2, Align-GVGD) all suggest that this variant is likely to be tolerated. In summary, the available evidence is currently insufficient to determine the role of this variant in disease. Therefore, it has been classified as a Variant of Uncertain Significance.